The following is an entry in ClinVar:

NM_177438.3(DICER1):c.2351A>G (p.Glu784Gly)

Gene: DICER1 (dicer 1, ribonuclease III; minus strand). Cytogenetic location: 14q32.13.
Variant type: single nucleotide variant.
Coding change: c.2351A>G on transcript NM_177438.3 (MANE Select); coding-DNA position 2351, A replaced by G.
Protein change: p.Glu784Gly; replaces glutamic acid 784 with glycine.
Molecular consequence: missense variant.
Genome position (GRCh38, 1-based): chr14:95,108,409, T>C on the plus strand (A>G on the coding strand, the complement: DICER1 is on the minus strand). VCF-style: chr14-95108409-T-C. GRCh37 (hg19) VCF-style: chr14-95574746-T-C.
Other names: c.2351A>G, p.Glu784Gly (NM_001195573.1, NM_001271282.3, NM_001291628.2 and 1 more transcripts); short protein forms E784G.
Identifiers: ClinVar variation 821140 (VCV000821140.4), dbSNP rs1595382195, ClinGen allele CA390882232.

ClinVar aggregate classification (germline): Uncertain significance (1 of 4 stars; one submission).

Conditions:
Hereditary cancer-predisposing syndrome. Also called: Neoplastic Syndromes, Hereditary; Tumor predisposition; Hereditary Cancer Syndrome; Hereditary neoplastic syndrome. Identifiers: Orphanet 140162, MedGen C0027672, MeSH D009386, MONDO:0015356.

Submission:

Ambry Genetics
Classification: Uncertain significance for Hereditary cancer-predisposing syndrome. Last evaluated: 2018-09-26. Review status: criteria provided, single submitter. Criteria: Ambry Variant Classification Scheme 2023. Collection method: clinical testing. Allele origin: germline.
Comment: The p.E784G variant (also known as c.2351A>G), located in coding exon 14 of the DICER1 gene, results from an A to G substitution at nucleotide position 2351. The glutamic acid at codon 784 is replaced by glycine, an amino acid with similar properties. This amino acid position is highly conserved in available vertebrate species. In addition, this alteration is predicted to be deleterious by in silico analysis. Since supporting evidence is limited at this time, the clinical significance of this alteration remains unclear.